The following is an entry in ClinVar:

ClinVar aggregate classification (germline): Uncertain significance. Review status: criteria provided, multiple submitters, no conflicts (2 of 4 stars). 3 submissions from 3 submitters: Uncertain significance (3). Last evaluated 2025-04-11.

Allele frequency attached by ClinVar (database versions not stated): gnomAD 0.00001; gnomAD exomes 0.00002 and 0.00004; TOPMed 0.00002; ExAC 0.00006.
gnomAD v4.1: 24 of 1,613,804 alleles (0.0015%); highest among the groups gnomAD compares: Middle Eastern, 0.082%; no homozygotes.

Submissions (3):

Ambry Genetics
Classification: Uncertain significance. Last evaluated: 2025-04-11. Review status: criteria provided, single submitter. Criteria: Ambry Variant Classification Scheme 2023. Collection method: clinical testing. Allele origin: germline.

Labcorp Genetics (formerly Invitae), Labcorp
Classification: Uncertain significance. Last evaluated: 2024-11-23. Review status: criteria provided, single submitter. Criteria: Invitae Variant Classification Sherloc (09022015). Collection method: clinical testing. Allele origin: germline.
Comment: This sequence change replaces valine, which is neutral and non-polar, with alanine, which is neutral and non-polar, at codon 668 of the MKL1 protein (p.Val668Ala). This variant is present in population databases (rs748217781, gnomAD 0.01%). This variant has not been reported in the literature in individuals affected with MKL1-related conditions. ClinVar contains an entry for this variant (Variation ID: 1682972). An algorithm developed to predict the effect of missense changes on protein structure and function (PolyPhen-2) suggests that this variant is likely to be tolerated. In summary, the available evidence is currently insufficient to determine the role of this variant in disease. Therefore, it has been classified as a Variant of Uncertain Significance.

Blueprint Genetics
Classification: Uncertain significance. Last evaluated: 2024-02-09. Review status: criteria provided, single submitter. Criteria: ACMG Guidelines, 2015. Collection method: clinical testing. Allele origin: germline.

NM_020831.6(MRTFA):c.2303T>C (p.Val768Ala)

Gene: MRTFA (myocardin related transcription factor A; minus strand). Cytogenetic location: 22q13.1.
Variant type: single nucleotide variant.
Coding change: c.2303T>C on transcript NM_020831.6 (MANE Select); coding-DNA position 2303, T replaced by C.
Protein change: p.Val768Ala; replaces valine 768 with alanine.
Molecular consequence: missense variant.
Genome position (GRCh38, 1-based): chr22:40,418,435, A>G on the plus strand (T>C on the coding strand, the complement: MRTFA is on the minus strand). VCF-style: chr22-40418435-A-G. GRCh37 (hg19) VCF-style: chr22-40814439-A-G.
Other names: c.2003T>C, p.Val668Ala (NM_001282660.2); c.2153T>C, p.Val718Ala (NM_001282661.3); c.2303T>C, p.Val768Ala (NM_001282662.3); c.2108T>C, p.Val703Ala (NM_001318139.2); c.2003T>C (NM_020831.3); short protein forms V668A, V703A, V718A, V768A.
Identifiers: ClinVar variation 1682972 (VCV001682972.9), dbSNP rs748217781, ClinGen allele CA10249381.